The following is an entry in ClinVar:

NC_000007.14:g.117530899del

Gene: CFTR (CF transmembrane conductance regulator; plus strand). Cytogenetic location: 7q31.2.
Variant type: Deletion.
Genome position: GRCh38 VCF-style: chr7-117530897-AG-A. GRCh37 (hg19) VCF-style: chr7-117170951-AG-A.
Identifiers: ClinVar variation 2768237 (VCV002768237.3), dbSNP rs2485008786, ClinGen allele CA2697557567.

ClinVar aggregate classification (germline): Pathogenic (1 of 4 stars; one submission).

Conditions:
Cystic fibrosis (CF). Also called: MUCOVISCIDOSIS. Identifiers: Orphanet 586, MedGen C0010674, MONDO:0009061, OMIM 219700. Disease mechanism: loss of function.

Submission:

Labcorp Genetics (formerly Invitae), Labcorp
Classification: Pathogenic for Cystic fibrosis. Last evaluated: 2023-10-14. Review status: criteria provided, single submitter. Criteria: Invitae Variant Classification Sherloc (09022015). Collection method: clinical testing. Allele origin: germline.
Comment: This sequence change creates a premature translational stop signal (p.Glu92Lysfs*15) in the CFTR gene. It is expected to result in an absent or disrupted protein product. Loss-of-function variants in CFTR are known to be pathogenic (PMID: 1695717, 7691345, 9725922). This variant is not present in population databases (gnomAD no frequency). This variant has not been reported in the literature in individuals affected with CFTR-related conditions. Algorithms developed to predict the effect of sequence changes on RNA splicing suggest that this variant may disrupt the consensus splice site. For these reasons, this variant has been classified as Pathogenic.

Literature cited by the submitters: PubMed 1695717; PubMed 7691345; PubMed 9725922.